The following is an entry in ClinVar:

ClinVar aggregate classification (germline): Likely benign (1 of 4 stars; one submission).

Submission:

CeGaT Center for Human Genetics Tuebingen
Classification: Likely benign. Last evaluated: 2026-01-01. Review status: criteria provided, single submitter. Criteria: CeGaT Center For Human Genetics Tuebingen Variant Classification Criteria Version 2. Collection method: clinical testing. Allele origin: germline. Affected: yes. Observed: 1 variant allele.
Comment: MED12: PM2:Supporting, BP4, BP7

NM_005120.3(MED12):c.6318G>A (p.Gln2106=)

Gene: MED12 (mediator complex subunit 12; plus strand). Cytogenetic location: Xq13.1.
Variant type: single nucleotide variant.
Coding change: c.6318G>A on transcript NM_005120.3 (MANE Select); coding-DNA position 6318, G replaced by A.
Protein change: p.Gln2106=; no amino-acid change (glutamine 2106 retained).
Molecular consequence: synonymous variant.
Genome position (GRCh38, 1-based): chrX:71,141,280, G>A. VCF-style: chrX-71141280-G-A. GRCh37 (hg19) VCF-style: chrX-70361130-G-A.
Identifiers: ClinVar variation 4821474 (VCV004821474.4).
Genomic context (GRCh38, chrX:71,141,280, plus strand): 5'-GTTCTTATAGCAGCAGCAGCAACAGCAACAGCAGCAGCAGCAGCAGCAGCAACAGCAACA[G>A]CAGCAGCAGCAACAGCAACAACAGCAACACCAGCAGCAACAGCAGCAACAGGCGGCTCCT-3'
Protein context (NP_005111.2, residues 2096-2116): QQQQQQQQQQ[Gln2106=]QQQQQQQQQH